The following is an entry in ClinVar:

ClinVar aggregate classification (germline): Likely pathogenic (1 of 4 stars; one submission).

Submission:

Labcorp Genetics (formerly Invitae), Labcorp
Classification: Likely pathogenic. Last evaluated: 2022-12-22. Review status: criteria provided, single submitter. Criteria: Invitae Variant Classification Sherloc (09022015). Collection method: clinical testing. Allele origin: germline.
Comment: This variant has not been reported in the literature in individuals affected with MICU1-related conditions. This variant is not present in population databases (gnomAD no frequency). This sequence change affects an acceptor splice site in intron 2 of the MICU1 gene. It is expected to disrupt RNA splicing. Variants that disrupt the donor or acceptor splice site typically lead to a loss of protein function (PMID: 16199547), and loss-of-function variants in MICU1 are known to be pathogenic (PMID: 24336167). Algorithms developed to predict the effect of sequence changes on RNA splicing suggest that this variant may disrupt the consensus splice site. In summary, the currently available evidence indicates that the variant is pathogenic, but additional data are needed to prove that conclusively. Therefore, this variant has been classified as Likely Pathogenic.

Literature cited by the submitters: PubMed 16199547; PubMed 24336167.

NM_001195518.2(MICU1):c.162-2A>G

Gene: MICU1 (mitochondrial calcium uptake 1; minus strand). Cytogenetic location: 10q22.1.
Variant type: single nucleotide variant.
Coding change: c.162-2A>G on transcript NM_001195518.2 (MANE Select); the canonical splice acceptor site of the intron before coding-DNA position 162, A replaced by G.
Molecular consequence: splice acceptor variant.
Genome position (GRCh38, 1-based): chr10:72,563,065, T>C on the plus strand (A>G on the coding strand, the complement: MICU1 is on the minus strand). VCF-style: chr10-72563065-T-C. GRCh37 (hg19) VCF-style: chr10-74322823-T-C.
Other names: c.162-2A>G (NM_006077.4, NM_001363513.2).
Identifiers: ClinVar variation 2872528 (VCV002872528.3), dbSNP rs2495687763, ClinGen allele CA377395584.